The following is an entry in ClinVar:

NM_003672.4(CDC14A):c.476T>A (p.Phe159Tyr)

Gene: CDC14A (cell division cycle 14A; plus strand). Cytogenetic location: 1p21.2.
Variant type: single nucleotide variant.
Coding change: c.476T>A on transcript NM_003672.4 (MANE Select); coding-DNA position 476, T replaced by A.
Protein change: p.Phe159Tyr; replaces phenylalanine 159 with tyrosine.
Molecular consequence: missense variant. On other transcripts: 5 prime UTR variant (1).
Genome position (GRCh38, 1-based): chr1:100,442,953, T>A. VCF-style: chr1-100442953-T-A. GRCh37 (hg19) VCF-style: chr1-100908509-T-A.
Other names: c.476T>A, p.Phe159Tyr (NM_001319210.2, NM_033312.3, NM_033313.3); c.302T>A, p.Phe101Tyr (NM_001319211.2); c.-316T>A (NM_001319212.2); c.476T>A (NM_033312.2); short protein forms F101Y, F159Y.
Identifiers: ClinVar variation 1383312 (VCV001383312.6), dbSNP rs568592855, ClinGen allele CA970588.
Genomic context (GRCh38, chr1:100,442,953, plus strand): 5'-TCAATTTAGCATGGAAAAACTAATTCAAATTCTGCTTTTAGGGATTACAACATGGATTTT[T>A]TGACTTTGAGACATTTGATGTGGATGAATATGAACATTATGAGGTTTGTACATTTAATTT-3'
Protein context (NP_003663.2, residues 149-169): GIRKGLQHGF[Phe159Tyr]DFETFDVDEY

ClinVar aggregate classification (germline): Uncertain significance. Review status: criteria provided, multiple submitters, no conflicts (2 of 4 stars). 2 submissions from 2 submitters: Uncertain significance (2). Last evaluated 2025-05-03.

Conditions:
Inborn genetic diseases. Identifiers: MedGen C0950123, MeSH D030342.

Allele frequency attached by ClinVar (database versions not stated): 1000 Genomes Project 30x 0.00016; gnomAD exomes 0.00016 and 0.00007; TOPMed 0.00001; gnomAD 0.00004; ExAC 0.00018; 1000 Genomes Project 0.00020.
gnomAD v4.1: 102 of 1,604,506 alleles (0.0064%); highest among the groups gnomAD compares: South Asian, 0.11%; 3 homozygotes.

Submissions (2):

Ambry Genetics
Classification: Uncertain significance for Inborn genetic diseases. Last evaluated: 2025-05-03. Review status: criteria provided, single submitter. Criteria: Ambry Variant Classification Scheme 2023. Collection method: clinical testing. Allele origin: germline.

Labcorp Genetics (formerly Invitae), Labcorp
Classification: Uncertain significance. Last evaluated: 2021-08-13. Review status: criteria provided, single submitter. Criteria: Invitae Variant Classification Sherloc (09022015). Collection method: clinical testing. Allele origin: germline.
Comment: This sequence change replaces phenylalanine with tyrosine at codon 159 of the CDC14A protein (p.Phe159Tyr). The phenylalanine residue is highly conserved and there is a small physicochemical difference between phenylalanine and tyrosine. This variant is present in population databases (rs568592855, ExAC 0.1%). This variant has not been reported in the literature in individuals affected with CDC14A-related conditions. Algorithms developed to predict the effect of missense changes on protein structure and function are either unavailable or do not agree on the potential impact of this missense change (SIFT: "Deleterious"; PolyPhen-2: "Benign"; Align-GVGD: "Class C0"). In summary, the available evidence is currently insufficient to determine the role of this variant in disease. Therefore, it has been classified as a Variant of Uncertain Significance.